The following is an entry in ClinVar:

NM_001151.4(SLC25A4):c.*1146T>C

Gene: SLC25A4 (solute carrier family 25 member 4; plus strand). Cytogenetic location: 4q35.1.
Variant type: single nucleotide variant.
Coding change: c.*1146T>C on transcript NM_001151.4 (MANE Select); 1146 bases downstream of the stop codon, T replaced by C.
Molecular consequence: 3 prime UTR variant.
Genome position (GRCh38, 1-based): chr4:185,148,117, T>C. VCF-style: chr4-185148117-T-C. GRCh37 (hg19) VCF-style: chr4-186069271-T-C.
Identifiers: ClinVar variation 348263 (VCV000348263.5), dbSNP rs537652975, ClinGen allele CA10618368.

ClinVar aggregate classification (germline): Benign (1 of 4 stars; one submission).

Conditions:
Progressive external ophthalmoplegia with mitochondrial DNA deletions, autosomal dominant 2. Also called: PROGRESSIVE EXTERNAL OPHTHALMOPLEGIA, AUTOSOMAL DOMINANT 2. Identifiers: MedGen C1836460, MONDO:0012238, OMIM 609283.

Allele frequency attached by ClinVar (database versions not stated): TOPMed 0.00001; gnomAD 0.00002 and 0.00005; 1000 Genomes Project 30x 0.00031; 1000 Genomes Project 0.00060.

Submission:

Illumina Laboratory Services, Illumina
Classification: Benign for Progressive external ophthalmoplegia with mitochondrial DNA deletions, autosomal dominant 2. Last evaluated: 2018-01-12. Review status: criteria provided, single submitter. Criteria: ICSL Variant Classification Criteria 13 December 2019. Collection method: clinical testing. Allele origin: germline.
Comment: This variant was observed in the ICSL laboratory as part of a predisposition screen in an ostensibly healthy population. It had not been previously curated by ICSL or reported in the Human Gene Mutation Database (HGMD: prior to June 1st, 2018), and was therefore a candidate for classification through an automated scoring system. Utilizing variant allele frequency, disease prevalence and penetrance estimates, and inheritance mode, an automated score was calculated to assess if this variant is too frequent to cause the disease. Based on the score and internal cut-off values, a variant classified as benign is not then subjected to further curation. The score for this variant resulted in a classification of benign for this disease.